The following is an entry in ClinVar:

NM_006231.4(POLE):c.2771G>T (p.Arg924Leu)

Gene: POLE (DNA polymerase epsilon, catalytic subunit; minus strand). Cytogenetic location: 12q24.33.
Variant type: single nucleotide variant.
Coding change: c.2771G>T on transcript NM_006231.4 (MANE Select); coding-DNA position 2771, G replaced by T.
Protein change: p.Arg924Leu; replaces arginine 924 with leucine.
Molecular consequence: missense variant.
Genome position (GRCh38, 1-based): chr12:132,661,620, C>A on the plus strand (G>T on the coding strand, the complement: POLE is on the minus strand). VCF-style: chr12-132661620-C-A. GRCh37 (hg19) VCF-style: chr12-133238206-C-A.
Other names: short protein forms R924L.
Identifiers: ClinVar variation 2200230 (VCV002200230.4), dbSNP rs763594644, ClinGen allele CA387393855.
Genomic context (GRCh38, chr12:132,661,620, plus strand): 5'-GCTGGAAGAATCATGGCAAGGTAGGGCCCATCAACCTCAAAAAAGATGCTGTTCTCTGAG[C>A]GGGTGACGTAGGTGAGTGAGGACGGCTCAGCCAGCTCCTGGTACTGGTCATTGGTGAAGC-3'
Protein context (NP_006222.2, residues 914-934): AEPSSLTYVT[Arg924Leu]SENSIFFEVD

ClinVar aggregate classification (germline): Uncertain significance (1 of 4 stars; one submission).

Submission:

Labcorp Genetics (formerly Invitae), Labcorp
Classification: Uncertain significance. Last evaluated: 2024-04-17. Review status: criteria provided, single submitter. Criteria: Invitae Variant Classification Sherloc (09022015). Collection method: clinical testing. Allele origin: germline.
Comment: This sequence change replaces arginine, which is basic and polar, with leucine, which is neutral and non-polar, at codon 924 of the POLE protein (p.Arg924Leu). This variant is not present in population databases (gnomAD no frequency). This missense change has been observed in individual(s) with breast cancer (PMID: 34326862). ClinVar contains an entry for this variant (Variation ID: 2200230). Advanced modeling of protein sequence and biophysical properties (such as structural, functional, and spatial information, amino acid conservation, physicochemical variation, residue mobility, and thermodynamic stability) performed at Invitae indicates that this missense variant is expected to disrupt POLE protein function with a positive predictive value of 80%. In summary, the available evidence is currently insufficient to determine the role of this variant in disease. Therefore, it has been classified as a Variant of Uncertain Significance.

Literature cited by the submitters: PubMed 34326862.